The following is an entry in ClinVar:

NM_004259.7(RECQL5):c.2509C>G (p.Gln837Glu)

Gene: RECQL5 (RecQ like helicase 5; minus strand). Cytogenetic location: 17q25.1.
Variant type: single nucleotide variant.
Coding change: c.2509C>G on transcript NM_004259.7 (MANE Select); coding-DNA position 2509, C replaced by G.
Protein change: p.Gln837Glu; replaces glutamine 837 with glutamic acid.
Molecular consequence: missense variant.
Genome position (GRCh38, 1-based): chr17:75,628,743, G>C on the plus strand (C>G on the coding strand, the complement: RECQL5 is on the minus strand). VCF-style: chr17-75628743-G-C. GRCh37 (hg19) VCF-style: chr17-73624823-G-C.
Other names: short protein forms Q837E.
Identifiers: ClinVar variation 2630165 (VCV002630165.1), dbSNP rs2545510093, ClinGen allele CA401050377.

ClinVar aggregate classification (germline): Uncertain significance (1 of 4 stars; one submission).

Conditions:
RECQL5-related disorder. Also called: RECQL5-related condition.

Allele frequency attached by ClinVar (database versions not stated): gnomAD exomes below 0.00001.

Submission:

PreventionGenetics, part of Exact Sciences
Classification: Uncertain significance for RECQL5-related condition. Last evaluated: 2023-02-17. Review status: criteria provided, single submitter. Criteria: ACMG Guidelines, 2015. Collection method: clinical testing. Allele origin: germline.
Comment: The RECQL5 c.2509C>G variant is predicted to result in the amino acid substitution p.Gln837Glu. To our knowledge, this variant has not been reported in the literature or in a large population database, indicating this variant is rare. At this time, the clinical significance of this variant is uncertain due to the absence of conclusive functional and genetic evidence.